The following is an entry in ClinVar:

ClinVar aggregate classification (germline): Uncertain significance (1 of 4 stars; one submission).

Conditions:
Dystonia 12 (DYT12). Also called: Rapid-Onset Dystonia-Parkinsonism (RDP); DYT-ATP1A3. Identifiers: Orphanet 71517, MedGen C1868681, MONDO:0007496, OMIM 128235.

Submission:

Labcorp Genetics (formerly Invitae), Labcorp
Classification: Uncertain significance for Dystonia 12. Last evaluated: 2022-08-23. Review status: criteria provided, single submitter. Criteria: Invitae Variant Classification Sherloc (09022015). Collection method: clinical testing. Allele origin: germline.
Comment: In summary, the available evidence is currently insufficient to determine the role of this variant in disease. Therefore, it has been classified as a Variant of Uncertain Significance. Advanced modeling of protein sequence and biophysical properties (such as structural, functional, and spatial information, amino acid conservation, physicochemical variation, residue mobility, and thermodynamic stability) performed at Invitae indicates that this missense variant is not expected to disrupt ATP1A3 protein function. ClinVar contains an entry for this variant (Variation ID: 1353535). This variant has not been reported in the literature in individuals affected with ATP1A3-related conditions. This variant is not present in population databases (gnomAD no frequency). This sequence change replaces lysine, which is basic and polar, with glutamic acid, which is acidic and polar, at codon 5 of the ATP1A3 protein (p.Lys5Glu).

NM_152296.5(ATP1A3):c.13A>G (p.Lys5Glu)

Gene: ATP1A3 (ATPase Na+/K+ transporting subunit alpha 3; minus strand). Cytogenetic location: 19q13.2.
Variant type: single nucleotide variant.
Coding change: c.13A>G on transcript NM_152296.5 (MANE Select); coding-DNA position 13, A replaced by G.
Protein change: p.Lys5Glu; replaces lysine 5 with glutamic acid.
Molecular consequence: missense variant.
Genome position (GRCh38, 1-based): chr19:41,988,556, T>C on the plus strand (A>G on the coding strand, the complement: ATP1A3 is on the minus strand). VCF-style: chr19-41988556-T-C. GRCh37 (hg19) VCF-style: chr19-42492708-T-C.
Other names: c.46A>G, p.Lys16Glu (NM_001256213.2); c.52A>G, p.Lys18Glu (NM_001256214.2); short protein forms K18E, K5E, K16E.
Identifiers: ClinVar variation 1353535 (VCV001353535.6), dbSNP rs2145984238, ClinGen allele CA406058051.